The following is an entry in ClinVar:

NM_017780.4(CHD7):c.1061del (p.Pro354fs)

Gene: CHD7 (chromodomain helicase DNA binding protein 7; plus strand). Cytogenetic location: 8q12.2.
Variant type: Deletion.
Coding change: c.1061del on transcript NM_017780.4 (MANE Select); coding-DNA position 1061, one base deleted (C; older notation c.1061delC).
Protein change: p.Pro354fs; shifts the reading frame from proline 354.
Molecular consequence: frameshift variant.
Genome position (GRCh38, 1-based): chr8:60,742,493, C deleted; the last of 3 consecutive C bases (chr8:60,742,491-60,742,493); deleting any one gives the same sequence. VCF-style (leftmost placement, unchanged base first): chr8-60742490-TC-T. GRCh37 (hg19) VCF-style: chr8-61655049-TC-T.
Other names: c.1061del, p.Pro354fs (NM_001316690.1); c.1061del (LRG_176t1); short protein forms P354fs.
Identifiers: ClinVar variation 504186 (VCV000504186.2), dbSNP rs1554581501, ClinGen allele CA658797109.

ClinVar aggregate classification (germline): Pathogenic/Likely pathogenic. Review status: criteria provided, multiple submitters, no conflicts (2 of 4 stars). 2 submissions from 2 submitters: Pathogenic (1); Likely pathogenic (1). Last evaluated 2023-02-23.

Conditions:
CHARGE syndrome (CHARGE). Also called: Hittner Hirsch Kreh syndrome; Coloboma, heart anomaly, choanal atresia, retardation, genital and ear anomalies; CHARGE association; Hall-Hittner syndrome; CHARGE ASSOCIATION--COLOBOMA, HEART ANOMALY, CHOANAL ATRESIA, RETARDATION, GENITAL AND EAR ANOMALIES. Identifiers: Orphanet 138, MedGen C0265354, MONDO:0008965.

Submissions (2):

3billion
Classification: Pathogenic for CHD7-related CHARGE syndrome. Last evaluated: 2023-02-23. Review status: criteria provided, single submitter. Criteria: ACMG Guidelines, 2015. Collection method: clinical testing. Allele origin: unknown. Affected: yes.
Comment: The variant is not observed in the gnomAD v2.1.1 dataset. This variant was predicted to result in a loss or disruption of normal protein function through nonsense-mediated decay (NMD) or protein truncation. Multiple pathogenic variants are reported downstream of the variant. The variant has been reported to be associated with CHD7 related disorder (ClinVar ID: VCV000504186). Therefore, this variant is classified as Pathogenic according to the recommendation of ACMG/AMP guideline.

GeneDx
Classification: Likely pathogenic. Last evaluated: 2018-01-30. Review status: criteria provided, single submitter. Criteria: GeneDx Variant Classification (06012015). Collection method: clinical testing. Allele origin: germline. Affected: yes.
Comment: The c.1061delC variant in the CHD7 gene has not been published as a pathogenic variant, nor has it been reported as a benign variant to our knowledge. This deletion causes a frameshift starting with codon Proline 354, changes this amino acid to a Histidine residue and creates a premature Stop codon at position 8 of the new reading frame, denoted p.Pro354HisfsX8. This variant is predicted to cause loss of normal protein function either through protein truncation or nonsense-mediated mRNA decay. The c.1061delC is not observed in large population cohorts. Based on currently available evidence, we consider this variant to be pathogenic.